The following is an entry in ClinVar:

ClinVar aggregate classification (germline): Pathogenic. Review status: reviewed by expert panel (3 of 4 stars). 2 submissions from 2 submitters: Pathogenic (1). 1 of the submissions does not count toward it. Last evaluated 2017-12-15.

Conditions:
Breast-ovarian cancer, familial, susceptibility to, 1 (BROVCA1). Also called: BRCA1 Hereditary Breast and Ovarian Cancer; OVARIAN CANCER, SUSCEPTIBILITY TO. Identifiers: Orphanet 145, MedGen C2676676, MONDO:0011450, OMIM 604370. Disease mechanism: loss of function.
Familial cancer of breast. Also called: hereditary breast carcinoma; BREAST CANCER, FAMILIAL; Hereditary breast cancer. Identifiers: Orphanet 227535, MedGen C0346153, MONDO:0016419, OMIM 114480. Disease mechanism: loss of function.

Submissions (2):

Evidence-based Network for the Interpretation of Germline Mutant Alleles (ENIGMA)
Classification: Pathogenic for Breast-ovarian cancer, familial, susceptibility to, 1. Last evaluated: 2017-12-15. Review status: reviewed by expert panel. Criteria: ENIGMA BRCA1/2 Classification Criteria (2017-06-29). Collection method: curation. Allele origin: germline. Study: ENIGMA.
Comment: Variant allele predicted to encode a truncated non-functional protein.

ClinVar Staff, National Center for Biotechnology Information (NCBI)
No classification provided. Condition: Familial cancer of breast. Review status: no classification provided. Collection method: literature only. Allele origin: germline. Affected: yes. Not counted in ClinVar's aggregate classification.

Literature cited by the submitters: PubMed 15564800 (cited by ClinVar Staff, National Center for Biotechnology Information (NCBI)).

NM_007294.4(BRCA1):c.4836dup (p.Ser1613fs)

Gene: BRCA1 (BRCA1 DNA repair associated; minus strand). Cytogenetic location: 17q21.31.
Variant type: Duplication.
Coding change: c.4836dup on transcript NM_007294.4 (MANE Select); coding-DNA position 4836, one base duplicated (G; older notation c.4836dupG).
Protein change: p.Ser1613fs; shifts the reading frame from serine 1613.
Molecular consequence: frameshift variant. On other transcripts: non-coding transcript variant (1).
Genome position (GRCh38, 1-based): chr17:43,071,078, C duplicated on the plus strand (G on the coding strand, the reverse complement: BRCA1 is on the minus strand). VCF-style (leftmost placement, unchanged base first): chr17-43071077-T-TC. GRCh37 (hg19) VCF-style: chr17-41223094-T-TC.
Other names: c.4836dupG (NM_007294.3); c.1314dup, p.Ser439Glufs (NM_001408485.1, NM_001408489.1, NM_001408490.1 and 5 more transcripts); c.1311dup, p.Ser438Glufs (NM_001408492.1, NM_001408493.1); c.1287dup, p.Ser430Glufs (NM_001408494.1); c.1281dup, p.Ser428Glufs (NM_001408495.1); c.1263dup, p.Ser422Glufs (NM_001408496.1, NM_001408497.1, NM_001408498.1 and 3 more transcripts); c.1260dup, p.Ser421Glufs (NM_001408502.1, NM_001408503.1, NM_001408504.1); c.1257dup, p.Ser420Glufs (NM_001408505.1); and 74 more; short protein forms S1613fs, S1634fs, S509fs, S1566fs.
Identifiers: ClinVar variation 55298 (VCV000055298.3), dbSNP rs397509198, ClinGen allele CA327949.